The following is an entry in ClinVar:

ClinVar aggregate classification (germline): Uncertain significance (1 of 4 stars; one submission).

Conditions:
Growth hormone insensitivity with immune dysregulation 1, autosomal recessive. Also called: Laron syndrome with immunodeficiency; GROWTH HORMONE INSENSITIVITY DUE TO POSTRECEPTOR DEFECT; LARON SYNDROME DUE TO POSTRECEPTOR DEFECT; GROWTH HORMONE INSENSITIVITY SYNDROME WITH IMMUNE DYSREGULATION 1, AUTOSOMAL RECESSIVE. Identifiers: Orphanet 220465, MedGen C5435698, MONDO:0100211, OMIM 245590.

Allele frequency attached by ClinVar (database versions not stated): ExAC 0.00001; gnomAD 0.00001; gnomAD exomes 0.00001; TOPMed 0.00001.
gnomAD v4.1: 19 of 1,614,014 alleles (0.0012%); highest among the groups gnomAD compares: Middle Eastern, 0.033%; no homozygotes.

Submission:

Labcorp Genetics (formerly Invitae), Labcorp
Classification: Uncertain significance for Growth hormone insensitivity with immune dysregulation 1, autosomal recessive. Last evaluated: 2025-09-02. Review status: criteria provided, single submitter. Criteria: Invitae Variant Classification Sherloc (09022015). Collection method: clinical testing. Allele origin: germline.
Comment: This sequence change replaces asparagine, which is neutral and polar, with lysine, which is basic and polar, at codon 145 of the STAT5B protein (p.Asn145Lys). This variant is present in population databases (rs778582220, gnomAD 0.0009%). This variant has not been reported in the literature in individuals affected with STAT5B-related conditions. ClinVar contains an entry for this variant (Variation ID: 1399472). Invitae Evidence Modeling of protein sequence and biophysical properties (such as structural, functional, and spatial information, amino acid conservation, physicochemical variation, residue mobility, and thermodynamic stability) indicates that this missense variant is not expected to disrupt STAT5B protein function with a negative predictive value of 80%. In summary, the available evidence is currently insufficient to determine the role of this variant in disease. Therefore, it has been classified as a Variant of Uncertain Significance.

NM_012448.4(STAT5B):c.435C>G (p.Asn145Lys)

Gene: STAT5B (signal transducer and activator of transcription 5B; minus strand). Cytogenetic location: 17q21.2.
Variant type: single nucleotide variant.
Coding change: c.435C>G on transcript NM_012448.4 (MANE Select); coding-DNA position 435, C replaced by G.
Protein change: p.Asn145Lys; replaces asparagine 145 with lysine.
Molecular consequence: missense variant.
Genome position (GRCh38, 1-based): chr17:42,223,497, G>C on the plus strand (C>G on the coding strand, the complement: STAT5B is on the minus strand). VCF-style: chr17-42223497-G-C. GRCh37 (hg19) VCF-style: chr17-40375515-G-C.
Other names: short protein forms N145K.
Identifiers: ClinVar variation 1399472 (VCV001399472.6), dbSNP rs778582220, ClinGen allele CA8574277.